The following is an entry in ClinVar:

ClinVar aggregate classification (germline): Benign/Likely benign. Review status: criteria provided, multiple submitters, no conflicts (2 of 4 stars). 3 submissions from 3 submitters: Benign (2); Likely benign (1). Last evaluated 2024-12-23.

Conditions:
Rotor syndrome (HBLRR). Also called: HYPERBILIRUBINEMIA, ROTOR TYPE, DIGENIC; HYPERBILIRUBINEMIA, ROTOR TYPE. Identifiers: Orphanet 3111, MedGen C0220991, MONDO:0009379, OMIM 237450.

Allele frequency attached by ClinVar (database versions not stated): gnomAD exomes 0.00071 and 0.00185; ExAC 0.00248; 1000 Genomes Project 0.00659; gnomAD 0.00766 and 0.00823; TOPMed 0.00893; 1000 Genomes Project 30x 0.00906; ESP Exome Variant Server 0.00930.
gnomAD v4.1: 2,235 of 1,610,694 alleles (0.14%); highest among the groups gnomAD compares: African/African-American, 2.7%; 42 homozygotes.

Submissions (3):

ARUP Laboratories, Molecular Genetics and Genomics, ARUP Laboratories
Classification: Benign for Rotor syndrome. Last evaluated: 2024-12-23. Review status: criteria provided, single submitter. Criteria: ARUP Molecular Germline Variant Investigation Process 2024. Collection method: clinical testing. Allele origin: germline.

Illumina Laboratory Services, Illumina
Classification: Benign for Rotor syndrome. Last evaluated: 2018-01-13. Review status: criteria provided, single submitter. Criteria: ICSL Variant Classification Criteria 13 December 2019. Collection method: clinical testing. Allele origin: germline.
Comment: This variant was observed in the ICSL laboratory as part of a predisposition screen in an ostensibly healthy population. It had not been previously curated by ICSL or reported in the Human Gene Mutation Database (HGMD: prior to June 1st, 2018), and was therefore a candidate for classification through an automated scoring system. Utilizing variant allele frequency, disease prevalence and penetrance estimates, and inheritance mode, an automated score was calculated to assess if this variant is too frequent to cause the disease. Based on the score and internal cut-off values, a variant classified as benign is not then subjected to further curation. The score for this variant resulted in a classification of benign for this disease.

Breakthrough Genomics
Classification: Likely benign. Review status: criteria provided, single submitter. Criteria: ACMG Guidelines, 2015. Collection method: not provided. Allele origin: germline. Inheritance: Autosomal recessive inheritance. Affected: yes.

NM_006446.5(SLCO1B1):c.1495A>G (p.Ile499Val)

Gene: SLCO1B1 (solute carrier organic anion transporter family member 1B1; plus strand). Cytogenetic location: 12p12.1.
Variant type: single nucleotide variant.
Coding change: c.1495A>G on transcript NM_006446.5 (MANE Select); coding-DNA position 1495, A replaced by G.
Protein change: p.Ile499Val; replaces isoleucine 499 with valine.
Molecular consequence: missense variant.
Genome position (GRCh38, 1-based): chr12:21,206,031, A>G. VCF-style: chr12-21206031-A-G. GRCh37 (hg19) VCF-style: chr12-21358965-A-G.
Other names: c.1495A>G (LRG_1022t1); short protein forms I499V.
Identifiers: ClinVar variation 307955 (VCV000307955.17), dbSNP rs74064213, ClinGen allele CA6477026.